The following is an entry in ClinVar:

ClinVar aggregate classification (germline): Uncertain significance. Review status: criteria provided, multiple submitters, no conflicts (2 of 4 stars). 2 submissions from 2 submitters: Uncertain significance (2). Last evaluated 2024-06-11.

Conditions:
Hereditary cancer-predisposing syndrome. Also called: Hereditary Cancer Syndrome; Tumor predisposition; Neoplastic Syndromes, Hereditary; Hereditary neoplastic syndrome. Identifiers: Orphanet 140162, MedGen C0027672, MeSH D009386, MONDO:0015356.
Ataxia-telangiectasia syndrome (AT). Also called: ATAXIA-TELANGIECTASIA, COMPLEMENTATION GROUP A; ATAXIA-TELANGIECTASIA, FRESNO VARIANT; Ataxia-telangiectasia; Ataxia-telangiectasia, complementation group E; Cerebello-oculocutaneous telangiectasia; Immunodeficiency with ataxia telangiectasia. Identifiers: Orphanet 100, MedGen C0004135, MONDO:0008840, OMIM 208900.

Allele frequency attached by ClinVar (database versions not stated): gnomAD exomes below 0.00001.
gnomAD v4.1: 1 of 1,605,494 alleles (0.000062%); highest among the groups gnomAD compares: Non-Finnish European, 0.000085%; no homozygotes.

Submissions (2):

Ambry Genetics
Classification: Uncertain significance for Hereditary cancer-predisposing syndrome. Last evaluated: 2024-06-11. Review status: criteria provided, single submitter. Criteria: Ambry Variant Classification Scheme 2023. Collection method: clinical testing. Allele origin: germline.
Comment: The p.G2863V variant (also known as c.8588G>T), located in coding exon 58 of the ATM gene, results from a G to T substitution at nucleotide position 8588. The glycine at codon 2863 is replaced by valine, an amino acid with dissimilar properties. This amino acid position is highly conserved in available vertebrate species. In addition, this alteration is predicted to be deleterious by in silico analysis. Based on the available evidence, the clinical significance of this variant remains unclear.

Labcorp Genetics (formerly Invitae), Labcorp
Classification: Uncertain significance for Ataxia-telangiectasia syndrome. Last evaluated: 2021-08-27. Review status: criteria provided, single submitter. Criteria: Invitae Variant Classification Sherloc (09022015). Collection method: clinical testing. Allele origin: germline.
Comment: This sequence change replaces glycine with valine at codon 2863 of the ATM protein (p.Gly2863Val). The glycine residue is highly conserved and there is a moderate physicochemical difference between glycine and valine. This variant is not present in population databases (ExAC no frequency). This variant has not been reported in the literature in individuals affected with ATM-related conditions. ClinVar contains an entry for this variant (Variation ID: 185078). Advanced modeling of protein sequence and biophysical properties (such as structural, functional, and spatial information, amino acid conservation, physicochemical variation, residue mobility, and thermodynamic stability) performed at Invitae indicates that this missense variant is expected to disrupt ATM protein function. In summary, the available evidence is currently insufficient to determine the role of this variant in disease. Therefore, it has been classified as a Variant of Uncertain Significance.

NM_000051.4(ATM):c.8588G>T (p.Gly2863Val)

Genes: ATM (ATM serine/threonine kinase; plus strand), C11orf65 (chromosome 11 open reading frame 65; minus strand). Cytogenetic location: 11q22.3.
Variant type: single nucleotide variant.
Coding change: c.8588G>T on transcript NM_000051.4 (MANE Select); coding-DNA position 8588, G replaced by T.
Protein change: p.Gly2863Val; replaces glycine 2863 with valine.
Molecular consequence: missense variant. On other transcripts: intron variant (2).
Genome position (GRCh38, 1-based): chr11:108,347,282, G>T. VCF-style: chr11-108347282-G-T. GRCh37 (hg19) VCF-style: chr11-108218009-G-T.
Other names: c.8588G>T, p.Gly2863Val (NM_001351834.2); c.641-38211C>A (NM_001330368.2); c.695-11990C>A (NM_001351110.2); short protein forms G2863V.
Identifiers: ClinVar variation 185078 (VCV000185078.12), dbSNP rs786201911, ClinGen allele CA190943.